The following is an entry in ClinVar:

NM_015570.4(AUTS2):c.1776del (p.Pro592_Met593insTer)

Gene: AUTS2 (activator of transcription and developmental regulator AUTS2; plus strand). Cytogenetic location: 7q11.22.
Variant type: Deletion.
Coding change: c.1776del on transcript NM_015570.4 (MANE Select); coding-DNA position 1776, one base deleted (T; older notation c.1776delT).
Protein change: p.Pro592_Met593insTer.
Molecular consequence: frameshift variant.
Genome position (GRCh38, 1-based): chr7:70,771,590, T deleted. VCF-style (leftmost placement, unchanged base first): chr7-70771589-CT-C. GRCh37 (hg19) VCF-style: chr7-70236575-CT-C.
Other names: c.1776del, p.Pro592_Met593insTer (NM_001127231.3).
Identifiers: ClinVar variation 4875145 (VCV004875145.2).

ClinVar aggregate classification (germline): Pathogenic (1 of 4 stars; one submission).

Submission:

CeGaT Center for Human Genetics Tuebingen
Classification: Pathogenic. Last evaluated: 2026-06-01. Review status: criteria provided, single submitter. Criteria: CeGaT Center For Human Genetics Tuebingen Variant Classification Criteria Version 2. Collection method: clinical testing. Allele origin: germline. Affected: yes. Observed: 1 variant allele.
Comment: AUTS2: PVS1, PM2